The following is an entry in ClinVar:

ClinVar aggregate classification (germline): Uncertain significance. Review status: criteria provided, multiple submitters, no conflicts (2 of 4 stars). 2 submissions from 2 submitters: Uncertain significance (2). Last evaluated 2025-02-22.

Submissions (2):

Ambry Genetics
Classification: Uncertain significance. Last evaluated: 2025-02-22. Review status: criteria provided, single submitter. Criteria: Ambry Variant Classification Scheme 2023. Collection method: clinical testing. Allele origin: germline.

Labcorp Genetics (formerly Invitae), Labcorp
Classification: Uncertain significance. Last evaluated: 2024-12-28. Review status: criteria provided, single submitter. Criteria: Invitae Variant Classification Sherloc (09022015). Collection method: clinical testing. Allele origin: germline.
Comment: This sequence change replaces leucine, which is neutral and non-polar, with phenylalanine, which is neutral and non-polar, at codon 261 of the NYNRIN protein (p.Leu261Phe). This variant is present in population databases (rs763818709, gnomAD 0.01%). This variant has not been reported in the literature in individuals affected with NYNRIN-related conditions. Experimental studies and prediction algorithms are not available or were not evaluated, and the functional significance of this variant is currently unknown. In summary, the available evidence is currently insufficient to determine the role of this variant in disease. Therefore, it has been classified as a Variant of Uncertain Significance.

NM_025081.3(NYNRIN):c.783A>T (p.Leu261Phe)

Gene: NYNRIN (NYN domain and retroviral integrase containing; plus strand). Cytogenetic location: 14q12.
Variant type: single nucleotide variant.
Coding change: c.783A>T on transcript NM_025081.3 (MANE Select); coding-DNA position 783, A replaced by T.
Protein change: p.Leu261Phe; replaces leucine 261 with phenylalanine.
Molecular consequence: missense variant.
Genome position (GRCh38, 1-based): chr14:24,408,453, A>T. VCF-style: chr14-24408453-A-T. GRCh37 (hg19) VCF-style: chr14-24877659-A-T.
Other names: c.783A>T (NM_025081.2); short protein forms L261F.
Identifiers: ClinVar variation 3665884 (VCV003665884.3).